The following is an entry in ClinVar:

ClinVar aggregate classification (germline): Uncertain significance (1 of 4 stars; one submission).

Submission:

Labcorp Genetics (formerly Invitae), Labcorp
Classification: Uncertain significance. Last evaluated: 2025-09-18. Review status: criteria provided, single submitter. Criteria: Invitae Variant Classification Sherloc (09022015). Collection method: clinical testing. Allele origin: germline.
Comment: This sequence change creates a premature translational stop signal (p.Ser338Aspfs*30) in the RHO gene. While this is not anticipated to result in nonsense mediated decay, it is expected to disrupt the last 11 amino acid(s) of the RHO protein. This variant is not present in population databases (gnomAD no frequency). This variant has not been reported in the literature in individuals affected with RHO-related conditions. ClinVar contains an entry for this variant (Variation ID: 2118983). Experimental studies and prediction algorithms are not available or were not evaluated, and the functional significance of this variant is currently unknown. In summary, the available evidence is currently insufficient to determine the role of this variant in disease. Therefore, it has been classified as a Variant of Uncertain Significance.

NM_000539.3(RHO):c.1012_*11del (p.Ser338fs)

Gene: RHO (rhodopsin; plus strand). Cytogenetic location: 3q22.1.
Variant type: Deletion.
Coding change: c.1012_*11del on transcript NM_000539.3 (MANE Select); coding-DNA position 1012 through 11 bases downstream of the stop codon, 47 bases deleted.
Protein change: p.Ser338fs; shifts the reading frame from serine 338.
Molecular consequence: frameshift variant.
Genome position (GRCh38, 1-based): chr3:129,533,683-129,533,729, 47 bases deleted; deleting any 47 consecutive bases within chr3:129,533,682-129,533,729 gives the same sequence; the c. name uses the placement nearest the transcript's 3' end. GRCh37 (hg19): chr3:129,252,526-129,252,572.
Other names: short protein forms S338fs.
Identifiers: ClinVar variation 2118983 (VCV002118983.4), dbSNP rs2533029918, ClinGen allele CA2580068752.